The following is an entry in ClinVar:

ClinVar aggregate classification (germline): Uncertain significance. Review status: criteria provided, multiple submitters, no conflicts (2 of 4 stars). 2 submissions from 2 submitters: Uncertain significance (2). Last evaluated 2025-04-16.

Conditions:
Inborn genetic diseases. Identifiers: MedGen C0950123, MeSH D030342.

Allele frequency attached by ClinVar (database versions not stated): gnomAD 0.00007.
gnomAD v4.1: 15 of 1,613,548 alleles (0.00093%); highest among the groups gnomAD compares: African/African-American, 0.015%; no homozygotes.

Submissions (2):

GeneDx
Classification: Uncertain significance. Last evaluated: 2025-04-16. Review status: criteria provided, single submitter. Criteria: GeneDx Variant Classification Process June 2021. Collection method: clinical testing. Allele origin: germline. Affected: yes.
Comment: In silico analysis supports that this missense variant has a deleterious effect on protein structure/function; Has not been previously published as pathogenic or benign to our knowledge

Ambry Genetics
Classification: Uncertain significance for Inborn genetic diseases. Last evaluated: 2022-11-21. Review status: criteria provided, single submitter. Criteria: Ambry Variant Classification Scheme 2023. Collection method: clinical testing. Allele origin: germline.

NM_002662.5(PLD1):c.2395G>A (p.Asp799Asn)

Gene: PLD1 (phospholipase D1; minus strand). Cytogenetic location: 3q26.31.
Variant type: single nucleotide variant.
Coding change: c.2395G>A on transcript NM_002662.5 (MANE Select); coding-DNA position 2395, G replaced by A.
Protein change: p.Asp799Asn; replaces aspartic acid 799 with asparagine.
Molecular consequence: missense variant.
Genome position (GRCh38, 1-based): chr3:171,659,247, C>T on the plus strand (G>A on the coding strand, the complement: PLD1 is on the minus strand). VCF-style: chr3-171659247-C-T. GRCh37 (hg19) VCF-style: chr3-171377037-C-T.
Other names: c.2281G>A, p.Asp761Asn (NM_001130081.3); short protein forms D761N, D799N.
Identifiers: ClinVar variation 2267613 (VCV002267613.3), dbSNP rs540439098, ClinGen allele CA2704270.